The following is an entry in ClinVar:

NM_014795.4(ZEB2):c.2264A>T (p.Asp755Val)

Gene: ZEB2 (zinc finger E-box binding homeobox 2; minus strand). Cytogenetic location: 2q22.3.
Variant type: single nucleotide variant.
Coding change: c.2264A>T on transcript NM_014795.4 (MANE Select); coding-DNA position 2264, A replaced by T.
Protein change: p.Asp755Val; replaces aspartic acid 755 with valine.
Molecular consequence: missense variant.
Genome position (GRCh38, 1-based): chr2:144,398,923, T>A on the plus strand (A>T on the coding strand, the complement: ZEB2 is on the minus strand). VCF-style: chr2-144398923-T-A. GRCh37 (hg19) VCF-style: chr2-145156490-T-A.
Other names: c.2192A>T, p.Asp731Val (NM_001171653.2); short protein forms D731V, D755V.
Identifiers: ClinVar variation 1476615 (VCV001476615.8), dbSNP rs774127506, ClinGen allele CA1898265.

ClinVar aggregate classification (germline): Uncertain significance (1 of 4 stars; one submission).

Conditions:
Mowat-Wilson syndrome (MOWS). Also called: Classic Mowat-Wilson Syndrome. Identifiers: Orphanet 2152, MedGen C1856113, MONDO:0009341, OMIM 235730.

Allele frequency attached by ClinVar (database versions not stated): gnomAD 0.00001; TOPMed 0.00002; ExAC 0.00001.
gnomAD v4.1: 1 of 1,614,034 alleles (0.000062%); highest among the groups gnomAD compares: African/African-American, 0.0013%; no homozygotes.

Submission:

Labcorp Genetics (formerly Invitae), Labcorp
Classification: Uncertain significance for Mowat-Wilson syndrome. Last evaluated: 2025-09-08. Review status: criteria provided, single submitter. Criteria: Invitae Variant Classification Sherloc (09022015). Collection method: clinical testing. Allele origin: germline.
Comment: This sequence change replaces aspartic acid, which is acidic and polar, with valine, which is neutral and non-polar, at codon 755 of the ZEB2 protein (p.Asp755Val). This variant is not present in population databases (gnomAD no frequency). This variant has not been reported in the literature in individuals affected with ZEB2-related conditions. ClinVar contains an entry for this variant (Variation ID: 1476615). Invitae Evidence Modeling of protein sequence and biophysical properties (such as structural, functional, and spatial information, amino acid conservation, physicochemical variation, residue mobility, and thermodynamic stability) indicates that this missense variant is not expected to disrupt ZEB2 protein function with a negative predictive value of 80%. In summary, the available evidence is currently insufficient to determine the role of this variant in disease. Therefore, it has been classified as a Variant of Uncertain Significance.